The following is an entry in ClinVar:

NM_001846.4(COL4A2):c.1613T>C (p.Ile538Thr)

Genes: COL4A2 (collagen type IV alpha 2 chain; plus strand), COL4A2-AS2 (COL4A2 antisense RNA 2; minus strand). Cytogenetic location: 13q34.
Variant type: single nucleotide variant.
Coding change: c.1613T>C on transcript NM_001846.4 (MANE Select); coding-DNA position 1613, T replaced by C.
Protein change: p.Ile538Thr; replaces isoleucine 538 with threonine.
Molecular consequence: missense variant.
Genome position (GRCh38, 1-based): chr13:110,462,130, T>C. VCF-style: chr13-110462130-T-C. GRCh37 (hg19) VCF-style: chr13-111114477-T-C.
Other names: p.Ile538Thr; c.1613T>C (NM_001846.2); short protein forms I538T.
Identifiers: ClinVar variation 1895912 (VCV001895912.9), dbSNP rs773949303, ClinGen allele CA7049648.
Genomic context (GRCh38, chr13:110,462,130, plus strand): 5'-CACAGTACAAAGAAGGAAGATATTTTTTTGTCTGTTTTCCACAGGGAGTGCCTGGCAACA[T>C]TGGTGCTCCCGGACCCAAAGGAGCAAAAGGAGATTCCAGAACAATCACAACCAAAGGTGA-3'
Protein context (NP_001837.2, residues 528-548): FPGLKGVPGN[Ile538Thr]GAPGPKGAKG

ClinVar aggregate classification (germline): Conflicting classifications of pathogenicity. Review status: criteria provided, conflicting classifications (1 of 4 stars). 3 submissions from 3 submitters: Uncertain significance (2); Likely benign (1). Last evaluated 2025-09-26.

Conditions:
Inborn genetic diseases. Identifiers: MedGen C0950123, MeSH D030342.

Allele frequency attached by ClinVar (database versions not stated): gnomAD 0.00001; gnomAD exomes 0.00002; TOPMed 0.00002; ExAC 0.00007.
gnomAD v4.1: 34 of 1,614,120 alleles (0.0021%); highest among the groups gnomAD compares: South Asian, 0.022%; 1 homozygote.

Submissions (3):

Mayo Clinic Laboratories, Mayo Clinic
Classification: Uncertain significance. Last evaluated: 2025-09-26. Review status: criteria provided, single submitter. Criteria: ACMG Guidelines, 2015. Collection method: clinical testing. Allele origin: germline. Observed: 1 variant allele.
Comment: BP4_moderate

Ambry Genetics
Classification: Likely benign for Inborn genetic diseases. Last evaluated: 2025-05-02. Review status: criteria provided, single submitter. Criteria: Ambry Variant Classification Scheme 2023. Collection method: clinical testing. Allele origin: germline.

Labcorp Genetics (formerly Invitae), Labcorp
Classification: Uncertain significance. Last evaluated: 2022-08-20. Review status: criteria provided, single submitter. Criteria: Invitae Variant Classification Sherloc (09022015). Collection method: clinical testing. Allele origin: germline.
Comment: In summary, the available evidence is currently insufficient to determine the role of this variant in disease. Therefore, it has been classified as a Variant of Uncertain Significance. Advanced modeling of protein sequence and biophysical properties (such as structural, functional, and spatial information, amino acid conservation, physicochemical variation, residue mobility, and thermodynamic stability) performed at Invitae indicates that this missense variant is not expected to disrupt COL4A2 protein function. This variant has not been reported in the literature in individuals affected with COL4A2-related conditions. This variant is present in population databases (rs773949303, gnomAD 0.02%). This sequence change replaces isoleucine, which is neutral and non-polar, with threonine, which is neutral and polar, at codon 538 of the COL4A2 protein (p.Ile538Thr).